The following is an entry in ClinVar:

ClinVar aggregate classification (germline): Uncertain significance (1 of 4 stars; one submission).

gnomAD v4.1: 6 of 1,614,020 alleles (0.00037%); highest among the groups gnomAD compares: South Asian, 0.0044%; no homozygotes.

Submission:

Women's Health and Genetics/Laboratory Corporation of America, LabCorp
Classification: Uncertain significance. Last evaluated: 2025-02-10. Review status: criteria provided, single submitter. Criteria: LabCorp Variant Classification Summary - May 2015. Collection method: clinical testing. Allele origin: germline.
Comment: Variant summary: CDH23 c.7549A>G (p.Ser2517Gly) results in a non-conservative amino acid change located in the Cadherins domain profile (IPR002126) of the encoded protein sequence. Three of four in-silico tools predict a damaging effect of the variant on protein function. The variant allele was found at a frequency of 2e-05 in 249276 control chromosomes. The available data on variant occurrences in the general population are insufficient to allow any conclusion about variant significance. c.7549A>G has been reported in the literature in at least one individual affected with Usher Syndrome (Astuto_2002). These report(s) do not provide unequivocal conclusions about association of the variant with Usher Syndrome. To our knowledge, no experimental evidence demonstrating an impact on protein function has been reported. The following publication have been ascertained in the context of this evaluation (PMID: 12075507). No submitters have cited clinical-significance assessments for this variant to ClinVar. Based on the evidence outlined above, the variant was classified as uncertain significance.

Literature cited by the submitters: PubMed 12075507.

NM_022124.6(CDH23):c.7549A>G (p.Ser2517Gly)

Gene: CDH23 (cadherin related 23; plus strand). Cytogenetic location: 10q22.1.
Variant type: single nucleotide variant.
Coding change: c.7549A>G on transcript NM_022124.6 (MANE Select); coding-DNA position 7549, A replaced by G.
Protein change: p.Ser2517Gly; replaces serine 2517 with glycine.
Molecular consequence: missense variant.
Genome position (GRCh38, 1-based): chr10:71,802,964, A>G. VCF-style: chr10-71802964-A-G. GRCh37 (hg19) VCF-style: chr10-73562721-A-G.
Other names: c.829A>G, p.Ser277Gly (NM_001171933.1, NM_001171934.1); short protein forms S2517G, S277G.
Identifiers: ClinVar variation 3768647 (VCV003768647.1).
Genomic context (GRCh38, chr10:71,802,964, plus strand): 5'-ATCCAAGTGCTGGATGTCAATGACTGCCGGCCACAGTTCTCCAAGCCCCAGTTCAGCACA[A>G]GCGTGTATGAGAATGAGCCGGCGGGCACCTCGGTCATCACCATGATGGCCACTGACCAGG-3'
Protein context (NP_071407.4, residues 2507-2527): PQFSKPQFST[Ser2517Gly]VYENEPAGTS